The following is an entry in ClinVar:

NM_005359.6(SMAD4):c.455-19T>C

Gene: SMAD4 (SMAD family member 4; plus strand). Cytogenetic location: 18q21.2.
Variant type: single nucleotide variant.
Coding change: c.455-19T>C on transcript NM_005359.6 (MANE Select); 19 bases into the intron before coding-DNA position 455, T replaced by C.
Molecular consequence: intron variant.
Genome position (GRCh38, 1-based): chr18:51,054,762, T>C. VCF-style: chr18-51054762-T-C. GRCh37 (hg19) VCF-style: chr18-48581132-T-C.
Identifiers: ClinVar variation 2181235 (VCV002181235.6), dbSNP rs2144417612, ClinGen allele CA2580095888.
Genomic context (GRCh38, chr18:51,054,762, plus strand): 5'-ATATTACTTGCTAATAAGATTTTTTTTTCTGGGAATAGAAGCTTATAAAAATTTAAAATA[T>C]GTTTAATTTTCTATATAGCTCCATCAAGTATGATGGTGAAGGATGAATATGTGCATGACT-3'

ClinVar aggregate classification (germline): Likely benign. Review status: criteria provided, multiple submitters, no conflicts (2 of 4 stars). 3 submissions from 3 submitters: Likely benign (3). Last evaluated 2025-07-30.

Conditions:
Juvenile polyposis/hereditary hemorrhagic telangiectasia syndrome (JPHT). Also called: Juvenile Polyposis Syndrome / Hereditary Hemorrhagic Telangiectasia (JPS/HHT); POLYPOSIS, GENERALIZED JUVENILE, WITH PULMONARY ARTERIOVENOUS MALFORMATION; TELANGIECTASIA, HEREDITARY HEMORRHAGIC, WITH JUVENILE POLYPOSIS COLI; JP/HHT SYNDROME; JUVENILE POLYPOSIS WITH HEREDITARY HEMORRHAGIC TELANGIECTASIA. Identifiers: Orphanet 2929, MedGen C1832942, MONDO:0008278, OMIM 175050.
Juvenile polyposis syndrome (JPS). Identifiers: Orphanet 2929, MedGen C0345893, MONDO:0017380, OMIM 174900.

Allele frequency attached by ClinVar (database versions not stated): gnomAD exomes below 0.00001.
gnomAD v4.1: 2 of 1,558,016 alleles (0.00013%); highest among the groups gnomAD compares: Non-Finnish European, 0.00018%; no homozygotes.

Submissions (3):

Labcorp Genetics (formerly Invitae), Labcorp
Classification: Likely benign for Juvenile polyposis syndrome. Last evaluated: 2025-07-30. Review status: criteria provided, single submitter. Criteria: Invitae Variant Classification Sherloc (09022015). Collection method: clinical testing. Allele origin: germline.

Myriad Genetics, Inc.
Classification: Likely benign for Juvenile polyposis/hereditary hemorrhagic telangiectasia syndrome. Last evaluated: 2025-03-19. Review status: criteria provided, single submitter. Criteria: Myriad Autosomal Dominant, Autosomal Recessive and X-Linked Classification Criteria (2023). Collection method: clinical testing. Allele origin: unknown.
Comment: This variant is considered likely benign. This variant is intronic and is not expected to impact mRNA splicing.

Blueprint Genetics
Classification: Likely benign. Last evaluated: 2023-03-06. Review status: criteria provided, single submitter. Criteria: ACMG Guidelines, 2015. Collection method: clinical testing. Allele origin: germline.